The following is an entry in ClinVar:

ClinVar aggregate classification (germline): Uncertain significance (1 of 4 stars; one submission).

Submission:

Greenwood Genetic Center Diagnostic Laboratories, Greenwood Genetic Center
Classification: Uncertain significance. Last evaluated: 2022-11-03. Review status: criteria provided, single submitter. Criteria: ACMG Guidelines, 2015. Collection method: clinical testing. Allele origin: germline. Affected: yes.
Comment: PM2, BP4

NM_001830.4(CLCN4):c.1242T>C (p.Cys414=)

Gene: CLCN4 (chloride voltage-gated channel 4; plus strand). Cytogenetic location: Xp22.2.
Variant type: single nucleotide variant.
Coding change: c.1242T>C on transcript NM_001830.4 (MANE Select); coding-DNA position 1242, T replaced by C.
Protein change: p.Cys414=; no amino-acid change (cysteine 414 retained).
Molecular consequence: synonymous variant.
Genome position (GRCh38, 1-based): chrX:10,208,443, T>C. VCF-style: chrX-10208443-T-C. GRCh37 (hg19) VCF-style: chrX-10176483-T-C.
Other names: c.960T>C, p.Cys320= (NM_001256944.2).
Identifiers: ClinVar variation 2429092 (VCV002429092.4), dbSNP rs2518885536, ClinGen allele CA515374982.
Genomic context (GRCh38, chrX:10,208,443, plus strand): 5'-CAGCGAGCTCATTTCTGAGCTGTTCAATGACTGTGGAGCCCTTGAGTCTTCCCAGCTCTG[T>C]GACTACATCAATGACCCCAACATGACTCGGCCTGTGGATGACATTCCAGACCGGCCGGCT-3'
Protein context (NP_001821.2, residues 404-424): DCGALESSQL[Cys414=]DYINDPNMTR